The following is an entry in ClinVar:

NM_022489.4(INF2):c.67T>G (p.Ser23Ala)

Gene: INF2 (inverted formin 2; plus strand). Cytogenetic location: 14q32.33.
Variant type: single nucleotide variant.
Coding change: c.67T>G on transcript NM_022489.4 (MANE Select); coding-DNA position 67, T replaced by G.
Protein change: p.Ser23Ala; replaces serine 23 with alanine.
Molecular consequence: missense variant.
Genome position (GRCh38, 1-based): chr14:104,701,432, T>G. VCF-style: chr14-104701432-T-G. GRCh37 (hg19) VCF-style: chr14-105167769-T-G.
Other names: c.67T>G, p.Ser23Ala (NM_001031714.4, NM_032714.3); short protein forms S23A.
Identifiers: ClinVar variation 857212 (VCV000857212.9), dbSNP rs746964937, ClinGen allele CA391224672.

ClinVar aggregate classification (germline): Uncertain significance (1 of 4 stars; one submission).

Conditions:
Focal segmental glomerulosclerosis 5 (FSGS5). Identifiers: Orphanet 656, MedGen C2750475, MONDO:0013191, OMIM 613237.
Charcot-Marie-Tooth disease dominant intermediate E. Also called: CHARCOT-MARIE-TOOTH NEUROPATHY WITH FOCAL SEGMENTAL GLOMERULONEPHRITIS. Identifiers: Orphanet 93114, MedGen C4302667, MONDO:0013758, OMIM 614455.

Submission:

Labcorp Genetics (formerly Invitae), Labcorp
Classification: Uncertain significance for Charcot-Marie-Tooth disease dominant intermediate E; Focal segmental glomerulosclerosis 5. Last evaluated: 2024-03-21. Review status: criteria provided, single submitter. Criteria: Invitae Variant Classification Sherloc (09022015). Collection method: clinical testing. Allele origin: germline.
Comment: This sequence change replaces serine, which is neutral and polar, with alanine, which is neutral and non-polar, at codon 23 of the INF2 protein (p.Ser23Ala). This variant is not present in population databases (gnomAD no frequency). This variant has not been reported in the literature in individuals affected with INF2-related conditions. ClinVar contains an entry for this variant (Variation ID: 857212). Advanced modeling of protein sequence and biophysical properties (such as structural, functional, and spatial information, amino acid conservation, physicochemical variation, residue mobility, and thermodynamic stability) performed at Invitae indicates that this missense variant is not expected to disrupt INF2 protein function with a negative predictive value of 95%. In summary, the available evidence is currently insufficient to determine the role of this variant in disease. Therefore, it has been classified as a Variant of Uncertain Significance.